The following is an entry in ClinVar:

NM_001394062.1(MACF1):c.16027A>T (p.Lys5343Ter)

Gene: MACF1 (microtubule actin crosslinking factor 1; plus strand). Cytogenetic location: 1p34.3.
Variant type: single nucleotide variant.
Coding change: c.16027A>T on transcript NM_001394062.1 (MANE Select); coding-DNA position 16027, A replaced by T.
Protein change: p.Lys5343Ter; replaces lysine 5343 with a stop codon.
Molecular consequence: nonsense.
Genome position (GRCh38, 1-based): chr1:39,422,778, A>T. VCF-style: chr1-39422778-A-T. GRCh37 (hg19) VCF-style: chr1-39888450-A-T.
Other names: c.4423A>T, p.Lys1475Ter (NM_001397473.1); c.9841A>T, p.Lys3281Ter (NM_012090.5); short protein forms K1475*, K3281*, K5343*.
Identifiers: ClinVar variation 4686979 (VCV004686979.1).

ClinVar aggregate classification (germline): Uncertain significance (1 of 4 stars; one submission).

Submission:

GeneDx
Classification: Uncertain significance. Last evaluated: 2025-07-21. Review status: criteria provided, single submitter. Criteria: GeneDx Variant Classification Process June 2021. Collection method: clinical testing. Allele origin: germline. Affected: yes.
Comment: Not observed at significant frequency in large population cohorts (gnomAD); Nonsense variant predicted to result in protein truncation or nonsense mediated decay in a gene or region of a gene for which loss of function is not a well-established mechanism of disease; Has not been previously published as pathogenic or benign to our knowledge